The following is an entry in ClinVar:

ClinVar aggregate classification (germline): Likely pathogenic. Review status: criteria provided, multiple submitters, no conflicts (2 of 4 stars). 3 submissions from 3 submitters: Likely pathogenic (3). Last evaluated 2025-02-09.

Conditions:
TTN-related disorder. Also called: TTN-related condition; TTN-related disease; TTN-related disorders.
Autosomal recessive limb-girdle muscular dystrophy type 2J (LGMDR10). Also called: Limb-girdle muscular dystrophy, type 2J; MUSCULAR DYSTROPHY, LIMB-GIRDLE, AUTOSOMAL RECESSIVE 10. Identifiers: Orphanet 140922, MedGen C1837342, MONDO:0012127, OMIM 608807.
Dilated cardiomyopathy 1G (CMD1G). Identifiers: Orphanet 154, MedGen C1858763, MONDO:0011400, OMIM 604145.

Submissions (3):

Labcorp Genetics (formerly Invitae), Labcorp
Classification: Likely pathogenic for Dilated cardiomyopathy 1G; Autosomal recessive limb-girdle muscular dystrophy type 2J. Last evaluated: 2025-02-09. Review status: criteria provided, single submitter. Criteria: Invitae Variant Classification Sherloc (09022015). Collection method: clinical testing. Allele origin: germline.
Comment: This sequence change creates a premature translational stop signal (p.Arg30664Aspfs*6) in the TTN gene. While this is not anticipated to result in nonsense mediated decay, it is expected to create a truncated TTN protein. This variant is not present in population databases (gnomAD no frequency). This premature translational stop signal has been observed in individual(s) with clinical features of dilated cardiomyopathy (PMID: 31317183). This variant is also known as c.64795delA (p.Arg21599Aspfs*6). This variant is located in the A band of TTN (PMID: 25589632). Truncating variants in this region are significantly overrepresented in patients affected with dilated cardiomyopathy (PMID: 25589632). Truncating variants in this region have also been reported in individuals affected with autosomal recessive centronuclear myopathy (PMID: 23975875). In summary, the currently available evidence indicates that the variant is pathogenic, but additional data are needed to prove that conclusively. Therefore, this variant has been classified as Likely Pathogenic.

GeneDx
Classification: Likely pathogenic. Last evaluated: 2024-11-05. Review status: criteria provided, single submitter. Criteria: GeneDx Variant Classification Process June 2021. Collection method: clinical testing. Allele origin: germline. Affected: yes.
Comment: Identified in a patient with DCM in published literature (PMID: 31317183); Not observed at significant frequency in large population cohorts (gnomAD); Frameshift variant predicted to result in protein truncation or nonsense mediated decay in a gene for which loss of function is a known mechanism of disease; This variant is associated with the following publications: (PMID: 31317183, 22335739)

Blueprint Genetics
Classification: Likely pathogenic for TTN-related disorders. Last evaluated: 2020-12-04. Review status: criteria provided, single submitter. Criteria: ACMG Guidelines, 2015. Collection method: clinical testing. Allele origin: germline. Affected: yes. Observed: 2 variant alleles.

Literature cited by the submitters: PubMed 31317183 (cited by Labcorp Genetics (formerly Invitae), Labcorp); PubMed 25589632 (cited by Labcorp Genetics (formerly Invitae), Labcorp); PubMed 23975875 (cited by Labcorp Genetics (formerly Invitae), Labcorp).

NM_001267550.2(TTN):c.91990del (p.Arg30664fs)

Genes: TTN (titin; minus strand), TTN-AS1 (TTN antisense RNA 1; plus strand). Cytogenetic location: 2q31.2.
Variant type: Deletion.
Coding change: c.91990del on transcript NM_001267550.2 (MANE Select); coding-DNA position 91990, one base deleted (A; older notation c.91990delA).
Protein change: p.Arg30664fs; shifts the reading frame from arginine 30664.
Molecular consequence: frameshift variant.
Genome position (GRCh38, 1-based): chr2:178,549,732, T deleted on the plus strand (A on the coding strand, the reverse complement: TTN is on the minus strand). VCF-style (leftmost placement, unchanged base first): chr2-178549731-CT-C. GRCh37 (hg19) VCF-style: chr2-179414458-CT-C.
Other names: c.87067del, p.Arg29023fs (NM_001256850.1); c.91990delA, p.Arg30664Aspfs (NM_001267550.1); c.64795del, p.Arg21599fs (NM_003319.4); c.84286del, p.Arg28096fs (NM_133378.4); c.65170del, p.Arg21724fs (NM_133432.3); c.65371del, p.Arg21791fs (NM_133437.4); short protein forms R21599fs, R21724fs, R21791fs, R28096fs, R29023fs, R30664fs.
Identifiers: ClinVar variation 3897191 (VCV003897191.3).